The following is an entry in ClinVar:

ClinVar aggregate classification (germline): Uncertain significance (1 of 4 stars; one submission).

Conditions:
Generalized epilepsy-paroxysmal dyskinesia syndrome (PNKD3). Also called: Generalized epilepsy and paroxysmal dyskinesia; Paroxysmal nonkinesigenic dyskinesia, 3, with or without generalized epilepsy. Identifiers: Orphanet 79137, MedGen C5574945, MONDO:0012276, OMIM 609446.

Submission:

Labcorp Genetics (formerly Invitae), Labcorp
Classification: Uncertain significance for Generalized epilepsy-paroxysmal dyskinesia syndrome. Last evaluated: 2023-10-10. Review status: criteria provided, single submitter. Criteria: Invitae Variant Classification Sherloc (09022015). Collection method: clinical testing. Allele origin: germline.
Comment: This sequence change replaces arginine, which is basic and polar, with serine, which is neutral and polar, at codon 1037 of the KCNMA1 protein (p.Arg1037Ser). This variant is not present in population databases (gnomAD no frequency). This variant has not been reported in the literature in individuals affected with KCNMA1-related conditions. An algorithm developed to predict the effect of missense changes on protein structure and function (PolyPhen-2) suggests that this variant is likely to be disruptive. In summary, the available evidence is currently insufficient to determine the role of this variant in disease. Therefore, it has been classified as a Variant of Uncertain Significance.

NM_001161352.2(KCNMA1):c.3285G>C (p.Arg1095Ser)

Genes: KCNMA1 (potassium calcium-activated channel subfamily M alpha 1; minus strand), KCNMA1-AS1 (KCNMA1 antisense RNA 1; plus strand). Cytogenetic location: 10q22.3.
Variant type: single nucleotide variant.
Coding change: c.3285G>C on transcript NM_001161352.2 (MANE Select); coding-DNA position 3285, G replaced by C.
Protein change: p.Arg1095Ser; replaces arginine 1095 with serine.
Molecular consequence: missense variant.
Genome position (GRCh38, 1-based): chr10:76,891,582, C>G on the plus strand (G>C on the coding strand, the complement: KCNMA1 is on the minus strand). VCF-style: chr10-76891582-C-G. GRCh37 (hg19) VCF-style: chr10-78651340-C-G.
Other names: c.3123G>C, p.Arg1041Ser (NM_001014797.3); c.3234G>C, p.Arg1078Ser (NM_001161353.2); c.2961G>C, p.Arg987Ser (NM_001271518.2); c.3201G>C, p.Arg1067Ser (NM_001271519.2); c.3120G>C, p.Arg1040Ser (NM_001322829.2, NM_001322836.2); c.3213G>C, p.Arg1071Ser (NM_001322830.2); c.3111G>C, p.Arg1037Ser (NM_001322832.2, NM_001410940.1, NM_002247.4); c.3204G>C, p.Arg1068Ser (NM_001322835.2, NM_001322837.2); and 1 more; short protein forms R1037S, R1071S, R886S, R987S, R1040S, R1067S, R1068S, R1095S.
Identifiers: ClinVar variation 2767446 (VCV002767446.3), dbSNP rs2548189048, ClinGen allele CA377403402.